The following is an entry in ClinVar:

ClinVar aggregate classification (germline): Conflicting classifications of pathogenicity. Review status: criteria provided, conflicting classifications (1 of 4 stars). 2 submissions from 2 submitters: Uncertain significance (1); Likely benign (1). Last evaluated 2023-03-23.

Conditions:
Hereditary cancer-predisposing syndrome. Also called: Hereditary Cancer Syndrome; Tumor predisposition; Hereditary neoplastic syndrome; Neoplastic Syndromes, Hereditary. Identifiers: Orphanet 140162, MedGen C0027672, MeSH D009386, MONDO:0015356.
Hereditary breast ovarian cancer syndrome. Also called: Hereditary breast and/or ovarian cancer syndrome; Hereditary breast and ovarian cancer syndrome; Hereditary breast and ovarian cancer syndrome (HBOC); Breast and ovarian cancer; Hereditary breast and ovarian cancer; BRCA1- and BRCA2-Associated Hereditary Breast and Ovarian Cancer. Identifiers: Orphanet 145, MedGen C0677776, MeSH D061325, MONDO:0003582. Disease mechanism: loss of function.

Submissions (2):

University of Washington Department of Laboratory Medicine, University of Washington
Classification: Likely benign for Hereditary cancer-predisposing syndrome. Last evaluated: 2023-03-23. Review status: criteria provided, single submitter. Criteria: Dines et al. (Genet Med. 2020). Collection method: curation. Allele origin: germline.
Comment: Missense variant in a coldspot region where missense variants are very unlikely to be pathogenic (PMID:31911673).

BRCA1 coldspot (exon 11 using historical exon numbering). Reclassification based on statistical prior probability

Labcorp Genetics (formerly Invitae), Labcorp
Classification: Uncertain significance for Hereditary breast ovarian cancer syndrome. Last evaluated: 2020-10-30. Review status: criteria provided, single submitter. Criteria: Invitae Variant Classification Sherloc (09022015). Collection method: clinical testing. Allele origin: germline.
Comment: This variant has not been reported in the literature in individuals with BRCA1-related conditions. This variant is not present in population databases (ExAC no frequency). This sequence change replaces asparagine with aspartic acid at codon 1030 of the BRCA1 protein (p.Asn1030Asp). The asparagine residue is moderately conserved and there is a small physicochemical difference between asparagine and aspartic acid. In summary, the available evidence is currently insufficient to determine the role of this variant in disease. Therefore, it has been classified as a Variant of Uncertain Significance. Advanced modeling of protein sequence and biophysical properties (such as structural, functional, and spatial information, amino acid conservation, physicochemical variation, residue mobility, and thermodynamic stability) performed at Invitae indicates that this missense variant is not expected to disrupt BRCA1 protein function.

NM_007294.4(BRCA1):c.3088A>G (p.Asn1030Asp)

Gene: BRCA1 (BRCA1 DNA repair associated; minus strand). Cytogenetic location: 17q21.31.
Variant type: single nucleotide variant.
Coding change: c.3088A>G on transcript NM_007294.4 (MANE Select); coding-DNA position 3088, A replaced by G.
Protein change: p.Asn1030Asp; replaces asparagine 1030 with aspartic acid.
Molecular consequence: missense variant. On other transcripts: intron variant (137).
Genome position (GRCh38, 1-based): chr17:43,092,443, T>C on the plus strand (A>G on the coding strand, the complement: BRCA1 is on the minus strand). VCF-style: chr17-43092443-T-C. GRCh37 (hg19) VCF-style: chr17-41244460-T-C.
Other names: c.284-1411A>G (NM_001408512.1); c.407-1411A>G (NM_001408510.1); c.644-1411A>G (NM_001408470.1, NM_001408464.1, NM_001408468.1 and 3 more transcripts); c.647-1411A>G (NM_001408469.1, NM_001408458.1, NM_001408453.1 and 11 more transcripts); c.2875A>G, p.Asn959Asp (NM_001407571.1, NM_001407853.1, NM_001407894.1 and 9 more transcripts); c.3088A>G, p.Asn1030Asp (NM_001407581.1, NM_001407582.1, NM_001407583.1 and 30 more transcripts); c.3085A>G, p.Asn1029Asp (NM_001407587.1, NM_001407590.1, NM_001407591.1 and 22 more transcripts); c.3079A>G, p.Asn1027Asp (NM_001407646.1, NM_001407647.1); and 41 more; short protein forms N1030D, N983D, N734D, N862D, N902D, N919D, N941D, N960D.
Identifiers: ClinVar variation 1055956 (VCV001055956.12), dbSNP rs2154343150, ClinGen allele CA10595814.